The following is an entry in ClinVar:

NM_020207.7(ERCC6L2):c.878G>C (p.Cys293Ser)

Gene: ERCC6L2 (ERCC excision repair 6 like 2; plus strand). Cytogenetic location: 9q22.32.
Variant type: single nucleotide variant.
Coding change: c.878G>C on transcript NM_020207.7 (MANE Select); coding-DNA position 878, G replaced by C.
Protein change: p.Cys293Ser; replaces cysteine 293 with serine.
Molecular consequence: missense variant. On other transcripts: non-coding transcript variant (1).
Genome position (GRCh38, 1-based): chr9:95,915,757, G>C. VCF-style: chr9-95915757-G-C. GRCh37 (hg19) VCF-style: chr9-98678039-G-C.
Other names: c.878G>C, p.Cys293Ser (NM_001010895.4, NM_001375291.1, NM_001375292.1 and 2 more transcripts); short protein forms C293S.
Identifiers: ClinVar variation 3845960 (VCV003845960.1).

ClinVar aggregate classification (germline): Uncertain significance (1 of 4 stars; one submission).

Conditions:
Inborn genetic diseases. Identifiers: MedGen C0950123, MeSH D030342.

Submission:

Ambry Genetics
Classification: Uncertain significance for Inborn genetic diseases. Last evaluated: 2025-02-22. Review status: criteria provided, single submitter. Criteria: Ambry Variant Classification Scheme 2023. Collection method: clinical testing. Allele origin: germline.
Comment: The p.C293S variant (also known as c.878G>C), located in coding exon 5 of the ERCC6L2 gene, results from a G to C substitution at nucleotide position 878. The cysteine at codon 293 is replaced by serine, an amino acid with dissimilar properties. This amino acid position is conserved. In addition, this alteration is predicted to be deleterious by in silico analysis. Based on the available evidence, the clinical significance of this variant remains unclear.